The following is an entry in ClinVar:

ClinVar aggregate classification (germline): Uncertain significance (1 of 4 stars; one submission).

Conditions:
Ullrich congenital muscular dystrophy 2 (UCMD2). Identifiers: Orphanet 75840, MedGen C4225314, MONDO:0014654, OMIM 616470.
Bethlem myopathy 2 (BTHLM2). Identifiers: Orphanet 536516, Orphanet 610, MedGen C4225313, MONDO:0034022, OMIM 616471.

gnomAD v4.1: 1 of 1,614,118 alleles (0.000062%); highest among the groups gnomAD compares: Non-Finnish European, 0.000085%; no homozygotes.

Submission:

Labcorp Genetics (formerly Invitae), Labcorp
Classification: Uncertain significance for Bethlem myopathy 2; Ullrich congenital muscular dystrophy 2. Last evaluated: 2022-12-17. Review status: criteria provided, single submitter. Criteria: Invitae Variant Classification Sherloc (09022015). Collection method: clinical testing. Allele origin: germline.
Comment: This sequence change replaces leucine, which is neutral and non-polar, with phenylalanine, which is neutral and non-polar, at codon 481 of the COL12A1 protein (p.Leu481Phe). In summary, the available evidence is currently insufficient to determine the role of this variant in disease. Therefore, it has been classified as a Variant of Uncertain Significance. Advanced modeling of protein sequence and biophysical properties (such as structural, functional, and spatial information, amino acid conservation, physicochemical variation, residue mobility, and thermodynamic stability) performed at Invitae indicates that this missense variant is not expected to disrupt COL12A1 protein function. This variant has not been reported in the literature in individuals affected with COL12A1-related conditions. This variant is not present in population databases (gnomAD no frequency).

NM_004370.6(COL12A1):c.1441C>T (p.Leu481Phe)

Gene: COL12A1 (collagen type XII alpha 1 chain; minus strand). Cytogenetic location: 6q13.
Variant type: single nucleotide variant.
Coding change: c.1441C>T on transcript NM_004370.6 (MANE Select); coding-DNA position 1441, C replaced by T.
Protein change: p.Leu481Phe; replaces leucine 481 with phenylalanine.
Molecular consequence: missense variant. On other transcripts: intron variant (2).
Genome position (GRCh38, 1-based): chr6:75,183,500, G>A on the plus strand (C>T on the coding strand, the complement: COL12A1 is on the minus strand). VCF-style: chr6-75183500-G-A. GRCh37 (hg19) VCF-style: chr6-75893216-G-A.
Other names: c.1441C>T, p.Leu481Phe (NM_001424113.1, NM_001424114.1, NM_001424115.1); c.73+19220C>T (NM_001424116.1, NM_080645.3); short protein forms L481F.
Identifiers: ClinVar variation 2936234 (VCV002936234.3), dbSNP rs2533568041, ClinGen allele CA364770446.
Genomic context (GRCh38, chr6:75,183,500, plus strand): 5'-CAACTTTGGTGAATTTTTTCAAAGTGAACTCAGTATGAGGATCCCGGCTGTATTGCACAA[G>A]ACTAATCTGGACCCTATTTGGTGAAATTTCAAAACTTTTTACAAGAACTTCCAAAAAGGC-3'
Protein context (NP_004361.3, residues 471-491): EISPNRVQIS[Leu481Phe]VQYSRDPHTE